The following is an entry in ClinVar:

ClinVar aggregate classification (germline): Uncertain significance (1 of 4 stars; one submission).

Submission:

Labcorp Genetics (formerly Invitae), Labcorp
Classification: Uncertain significance. Last evaluated: 2022-05-04. Review status: criteria provided, single submitter. Criteria: Invitae Variant Classification Sherloc (09022015). Collection method: clinical testing. Allele origin: germline.
Comment: This sequence change affects codon 1409 of the PHIP mRNA. It is a 'silent' change, meaning that it does not change the encoded amino acid sequence of the PHIP protein. Information on the frequency of this variant in the gnomAD database is not available, as this variant may be reported differently in the database. This variant has not been reported in the literature in individuals affected with PHIP-related conditions. Experimental studies and prediction algorithms are not available or were not evaluated, and the effect of this variant on mRNA splicing is currently unknown. In summary, the available evidence is currently insufficient to determine the role of this variant in disease. Therefore, it has been classified as a Variant of Uncertain Significance.

NM_017934.7(PHIP):c.4227_4228delinsTT (p.Arg1409_Leu1410=)

Genes: IRAK1BP1 (interleukin 1 receptor associated kinase 1 binding protein 1; plus strand), PHIP (PHIP subunit of CUL4-Ring ligase complex; minus strand). Cytogenetic location: 6q14.1.
Variant type: Indel.
Coding change: c.4227_4228delinsTT on transcript NM_017934.7 (MANE Select); coding-DNA positions 4227 to 4228, CC replaced by TT.
Protein change: p.Arg1409_Leu1410=.
Molecular consequence: synonymous variant.
Genome position (GRCh38, 1-based): chr6:78,946,853-78,946,854, GG replaced by AA on the plus strand (CC replaced by TT on the coding strand, the reverse complement: PHIP is on the minus strand). VCF-style: chr6-78946853-GG-AA. GRCh37 (hg19) VCF-style: chr6-79656570-GG-AA.
Identifiers: ClinVar variation 2099221 (VCV002099221.4), dbSNP rs2481798378, ClinGen allele CA2580075866.